The following is an entry in ClinVar:

ClinVar aggregate classification (germline): Uncertain significance. Review status: criteria provided, multiple submitters, no conflicts (2 of 4 stars). 5 submissions from 5 submitters: Uncertain significance (5). Last evaluated 2026-03-25.

Conditions:
CEP290-related disorder. Also called: CEP290-related condition; CEP290-related disorders. Identifiers: MedGen CN239314.
Nephronophthisis. Also called: Juvenile Nephronophthisis. Identifiers: Orphanet 655, MedGen C0687120, MONDO:0019005, HP:0000090.
Meckel-Gruber syndrome. Also called: DYSENCEPHALIA SPLANCHNOCYSTICA; GRUBER SYNDROME; Dysencephalia splachnocystica. Identifiers: Orphanet 564, MedGen C0265215, MONDO:0018921.
Joubert syndrome. Also called: JOUBERT-BOLTSHAUSER SYNDROME; Familial aplasia of the vermis. Identifiers: Orphanet 475, MedGen C5979921, MONDO:0018772.
Retinal dystrophy. Also called: Inherited retinal dystrophy. Identifiers: Orphanet 71862, MedGen C0854723, MeSH D058499, MONDO:0019118, HP:0000556.
Leber congenital amaurosis 10 (LCA10). Identifiers: Orphanet 65, MedGen C1857821, MONDO:0012723, OMIM 611755.
Senior-Loken syndrome 6 (SLSN6). Identifiers: Orphanet 3156, MedGen C1857779, MONDO:0012433, OMIM 610189.
Bardet-Biedl syndrome 14 (BBS14). Identifiers: Orphanet 110, MedGen C2673874, MONDO:0014442, OMIM 615991.
Meckel syndrome, type 4 (MKS4). Also called: MECKEL-GRUBER SYNDROME, TYPE 4. Identifiers: Orphanet 564, MedGen C1970161, MONDO:0012626, OMIM 611134.
Joubert syndrome 5 (JBTS5). Identifiers: Orphanet 2318, MedGen C1857780, MONDO:0012432, OMIM 610188.

Allele frequency attached by ClinVar (database versions not stated): gnomAD 0.00001; ExAC 0.00002; TOPMed 0.00003.
gnomAD v4.1: 13 of 1,459,840 alleles (0.00089%); highest among the groups gnomAD compares: East Asian, 0.0023%; no homozygotes.

Submissions (5):

PreventionGenetics, part of Exact Sciences
Classification: Uncertain significance for CEP290-related condition. Last evaluated: 2026-03-25. Review status: criteria provided, single submitter. Criteria: ACMG Guidelines, 2015. Collection method: clinical testing. Allele origin: germline.
Comment: The CEP290 c.7222A>C variant is predicted to result in the amino acid substitution p.Lys2408Gln. To our knowledge, this variant has not been reported in the literature. This variant is reported in 0.0048% of alleles in individuals of African descent in gnomAD. At this time, the clinical significance of this variant is uncertain due to the absence of conclusive functional and genetic evidence.

Labcorp Genetics (formerly Invitae), Labcorp
Classification: Uncertain significance for Joubert syndrome; Meckel-Gruber syndrome; Nephronophthisis. Last evaluated: 2024-01-08. Review status: criteria provided, single submitter. Criteria: Invitae Variant Classification Sherloc (09022015). Collection method: clinical testing. Allele origin: germline.
Comment: This sequence change replaces lysine, which is basic and polar, with glutamine, which is neutral and polar, at codon 2408 of the CEP290 protein (p.Lys2408Gln). This variant is present in population databases (rs750921465, gnomAD 0.005%). This variant has not been reported in the literature in individuals affected with CEP290-related conditions. ClinVar contains an entry for this variant (Variation ID: 2175602). An algorithm developed to predict the effect of missense changes on protein structure and function (PolyPhen-2) suggests that this variant is likely to be disruptive. In summary, the available evidence is currently insufficient to determine the role of this variant in disease. Therefore, it has been classified as a Variant of Uncertain Significance.

Fulgent Genetics
Classification: Uncertain significance for Joubert syndrome 5; Senior-Loken syndrome 6; Meckel syndrome, type 4; Leber congenital amaurosis 10; Bardet-Biedl syndrome 14. Last evaluated: 2023-12-28. Review status: criteria provided, single submitter. Criteria: ACMG Guidelines, 2015. Collection method: clinical testing. Allele origin: germline.

GeneDx
Classification: Uncertain significance. Last evaluated: 2023-11-26. Review status: criteria provided, single submitter. Criteria: GeneDx Variant Classification Process June 2021. Collection method: clinical testing. Allele origin: germline. Affected: yes.
Comment: Not observed at significant frequency in large population cohorts (gnomAD); In silico analysis supports that this missense variant does not alter protein structure/function; Has not been previously published as pathogenic or benign to our knowledge

Dept Of Ophthalmology, Nagoya University
Classification: Uncertain significance for Retinal dystrophy. Last evaluated: 2023-10-01. Review status: criteria provided, single submitter. Criteria: Submitter's publication. Collection method: research. Allele origin: germline. Affected: yes.

NM_025114.4(CEP290):c.7222A>C (p.Lys2408Gln)

Genes: CEP290 (centrosomal protein 290; minus strand), RLIG1 (RNA 5'-phosphate and 3'-OH ligase 1; plus strand). Cytogenetic location: 12q21.32.
Variant type: single nucleotide variant.
Coding change: c.7222A>C on transcript NM_025114.4 (MANE Select); coding-DNA position 7222, A replaced by C.
Protein change: p.Lys2408Gln; replaces lysine 2408 with glutamine.
Molecular consequence: missense variant. On other transcripts: 3 prime UTR variant (1).
Genome position (GRCh38, 1-based): chr12:88,049,402, T>G on the plus strand (A>C on the coding strand, the complement: CEP290 is on the minus strand). VCF-style: chr12-88049402-T-G. GRCh37 (hg19) VCF-style: chr12-88443179-T-G.
Other names: c.*980T>G (NM_001009894.3); short protein forms K2408Q.
Identifiers: ClinVar variation 2175602 (VCV002175602.7), dbSNP rs750921465, ClinGen allele CA6711314.